The following is an entry in ClinVar:

NM_198334.3(GANAB):c.550C>A (p.Pro184Thr)

Gene: GANAB (glucosidase II alpha subunit; minus strand). Cytogenetic location: 11q12.3.
Variant type: single nucleotide variant.
Coding change: c.550C>A on transcript NM_198334.3 (MANE Select); coding-DNA position 550, C replaced by A.
Protein change: p.Pro184Thr; replaces proline 184 with threonine.
Molecular consequence: missense variant. On other transcripts: 5 prime UTR variant (2).
Genome position (GRCh38, 1-based): chr11:62,634,831, G>T on the plus strand (C>A on the coding strand, the complement: GANAB is on the minus strand). VCF-style: chr11-62634831-G-T. GRCh37 (hg19) VCF-style: chr11-62402303-G-T.
Other names: c.208C>A, p.Pro70Thr (NM_001278192.2, NM_001278193.2); c.259C>A, p.Pro87Thr (NM_001278194.2, NM_001329222.2, NM_001329223.2); c.-227C>A (NM_001329224.2, NM_001329225.2); c.550C>A, p.Pro184Thr (NM_198335.4); short protein forms P184T, P70T, P87T.
Identifiers: ClinVar variation 2502019 (VCV002502019.1), dbSNP rs777086107, ClinGen allele CA6051077.

ClinVar aggregate classification (germline): Uncertain significance (1 of 4 stars; one submission).

Allele frequency attached by ClinVar (database versions not stated): ExAC 0.00001; TOPMed 0.00001.

Submission:

GeneDx
Classification: Uncertain significance. Last evaluated: 2022-11-10. Review status: criteria provided, single submitter. Criteria: GeneDx Variant Classification Process June 2021. Collection method: clinical testing. Allele origin: germline. Affected: yes.
Comment: Not observed at significant frequency in large population cohorts (gnomAD); In silico analysis supports that this missense variant does not alter protein structure/function; Has not been previously published as pathogenic or benign to our knowledge